The following is an entry in ClinVar:

NM_001267550.2(TTN):c.51739+14C>A

Genes: TTN-AS1 (TTN antisense RNA 1; plus strand), TTN (titin; minus strand). Cytogenetic location: 2q31.2.
Variant type: single nucleotide variant.
Coding change: c.51739+14C>A on transcript NM_001267550.2 (MANE Select); 14 bases into the intron after coding-DNA position 51739, C replaced by A.
Molecular consequence: intron variant.
Genome position (GRCh38, 1-based): chr2:178,609,670, G>T on the plus strand (C>A on the coding strand, the complement: TTN is on the minus strand). VCF-style: chr2-178609670-G-T. GRCh37 (hg19) VCF-style: chr2-179474397-G-T.
Other names: c.24544+14C>A (NM_003319.4); c.25120+14C>A (NM_133437.4); c.24919+14C>A (NM_133432.3); c.44035+14C>A (NM_133378.4); c.46816+14C>A (NM_001256850.1).
Identifiers: ClinVar variation 179646 (VCV000179646.24), dbSNP rs727505018, ClinGen allele CA295830.

ClinVar aggregate classification (germline): Benign/Likely benign. Review status: criteria provided, multiple submitters, no conflicts (2 of 4 stars). 9 submissions from 6 submitters: Benign (6); Likely benign (3). Last evaluated 2026-01-28.

Conditions:
Dilated cardiomyopathy 1G (CMD1G). Identifiers: Orphanet 154, MedGen C1858763, MONDO:0011400, OMIM 604145.
Autosomal recessive limb-girdle muscular dystrophy type 2J (LGMDR10). Also called: MUSCULAR DYSTROPHY, LIMB-GIRDLE, AUTOSOMAL RECESSIVE 10; Limb-girdle muscular dystrophy, type 2J. Identifiers: Orphanet 140922, MedGen C1837342, MONDO:0012127, OMIM 608807.
Early-onset myopathy with fatal cardiomyopathy (CMYO5). Also called: CONGENITAL MYOPATHY 5 WITH CARDIOMYOPATHY; Salih Myopathy. Identifiers: Orphanet 289377, MedGen C2673677, MONDO:0012714, OMIM 611705. Disease mechanism: loss of function.
Myopathy, myofibrillar, 9, with early respiratory failure (MFM9). Also called: Hereditary myopathy with early respiratory failure; EDSTROM MYOPATHY; Myopathy, distal, with early respiratory failure, autosomal dominant; MYOPATHY, PROXIMAL, WITH EARLY RESPIRATORY MUSCLE INVOLVEMENT. Identifiers: Orphanet 178464, Orphanet 34521, MedGen C1863599, MONDO:0011362, OMIM 603689.
Tibial muscular dystrophy (TMD). Also called: Udd Distal Myopathy – Tibial Muscular Dystrophy; Tibial muscular dystrophy, tardive; UDD MYOPATHY. Identifiers: Orphanet 609, MedGen C1838244, MONDO:0010870, OMIM 600334.

Allele frequency attached by ClinVar (database versions not stated): ExAC 0.00002; gnomAD 0.00003 and 0.00005; gnomAD exomes 0.00001; TOPMed below 0.00001.
gnomAD v4.1: 30 of 1,561,584 alleles (0.0019%); highest among the groups gnomAD compares: East Asian, 0.011%; no homozygotes.

Submissions (9):

Labcorp Genetics (formerly Invitae), Labcorp
Classification: Likely benign for Dilated cardiomyopathy 1G; Autosomal recessive limb-girdle muscular dystrophy type 2J. Last evaluated: 2026-01-28. Review status: criteria provided, single submitter. Criteria: Invitae Variant Classification Sherloc (09022015). Collection method: clinical testing. Allele origin: germline.

Blueprint Genetics
Classification: Likely benign. Last evaluated: 2024-10-14. Review status: criteria provided, single submitter. Criteria: ACMG Guidelines, 2015. Collection method: clinical testing. Allele origin: germline.

Genome-Nilou Lab
Classification: Benign for Autosomal recessive limb-girdle muscular dystrophy type 2J. Last evaluated: 2021-09-10. Review status: criteria provided, single submitter. Criteria: ACMG Guidelines, 2015. Collection method: clinical testing. Allele origin: germline. Affected: no.

Genome-Nilou Lab
Classification: Benign for Myopathy, myofibrillar, 9, with early respiratory failure. Last evaluated: 2021-09-10. Review status: criteria provided, single submitter. Criteria: ACMG Guidelines, 2015. Collection method: clinical testing. Allele origin: germline. Affected: no.

Genome-Nilou Lab
Classification: Benign for Early-onset myopathy with fatal cardiomyopathy. Last evaluated: 2021-09-10. Review status: criteria provided, single submitter. Criteria: ACMG Guidelines, 2015. Collection method: clinical testing. Allele origin: germline. Affected: no.

Genome-Nilou Lab
Classification: Benign for Tibial muscular dystrophy. Last evaluated: 2021-09-10. Review status: criteria provided, single submitter. Criteria: ACMG Guidelines, 2015. Collection method: clinical testing. Allele origin: germline. Affected: no.

ARUP Laboratories, Molecular Genetics and Genomics, ARUP Laboratories
Classification: Benign. Last evaluated: 2019-03-01. Review status: criteria provided, single submitter. Criteria: ARUP Molecular Germline Variant Investigation Process. Collection method: clinical testing. Allele origin: germline.

GeneDx
Classification: Benign. Last evaluated: 2014-12-19. Review status: criteria provided, single submitter. Criteria: GeneDx Variant Classification (06012015). Collection method: clinical testing. Allele origin: germline. Affected: yes.
Comment: This variant is considered likely benign or benign based on one or more of the following criteria: it is a conservative change, it occurs at a poorly conserved position in the protein, it is predicted to be benign by multiple in silico algorithms, and/or has population frequency not consistent with disease.

Laboratory for Molecular Medicine, Mass General Brigham Personalized Medicine
Classification: Likely benign. Last evaluated: 2014-05-01. Review status: criteria provided, single submitter. Criteria: LMM Criteria. Collection method: clinical testing. Allele origin: germline. Observed: 1 variant allele.
Comment: 44035+14C>A in intron 221 of TTN: This variant is not expected to have clinical significance because it is not located within the splice consensus sequence.